The following is an entry in ClinVar:

NM_018006.5(TRMU):c.935G>A (p.Trp312Ter)

Gene: TRMU (tRNA mitochondrial 2-thiouridylase; plus strand). Cytogenetic location: 22q13.31.
Variant type: single nucleotide variant.
Coding change: c.935G>A on transcript NM_018006.5 (MANE Select); coding-DNA position 935, G replaced by A.
Protein change: p.Trp312Ter; replaces tryptophan 312 with a stop codon.
Molecular consequence: nonsense. On other transcripts: non-coding transcript variant (2).
Genome position (GRCh38, 1-based): chr22:46,355,505, G>A. VCF-style: chr22-46355505-G-A. GRCh37 (hg19) VCF-style: chr22-46751402-G-A.
Other names: c.*379G>A (NM_001008568.2); c.*473G>A (NM_001008570.2); c.593G>A, p.Trp198Ter (NM_001282782.2); c.515G>A, p.Trp172Ter (NM_001282783.2, NM_001282784.2); c.935G>A, p.Trp312Ter (NM_001282785.2); short protein forms W198*, W172*, W312*.
Identifiers: ClinVar variation 2850659 (VCV002850659.3), dbSNP rs2518211384, ClinGen allele CA411916192.

ClinVar aggregate classification (germline): Pathogenic (1 of 4 stars; one submission).

Allele frequency attached by ClinVar (database versions not stated): gnomAD exomes below 0.00001.
gnomAD v4.1: 1 of 1,613,252 alleles (0.000062%); highest among the groups gnomAD compares: Non-Finnish European, 0.000085%; no homozygotes.

Submission:

Labcorp Genetics (formerly Invitae), Labcorp
Classification: Pathogenic. Last evaluated: 2023-03-29. Review status: criteria provided, single submitter. Criteria: Invitae Variant Classification Sherloc (09022015). Collection method: clinical testing. Allele origin: germline.
Comment: This variant is not present in population databases (gnomAD no frequency). This sequence change creates a premature translational stop signal (p.Trp312*) in the TRMU gene. It is expected to result in an absent or disrupted protein product. Loss-of-function variants in TRMU are known to be pathogenic (PMID: 19732863, 23625533). For these reasons, this variant has been classified as Pathogenic. This variant has not been reported in the literature in individuals affected with TRMU-related conditions.

Literature cited by the submitters: PubMed 19732863; PubMed 23625533.